The following is an entry in ClinVar:

ClinVar aggregate classification (germline): Uncertain significance. Review status: criteria provided, multiple submitters, no conflicts (2 of 4 stars). 3 submissions from 3 submitters: Uncertain significance (3). Last evaluated 2026-01-28.

Conditions:
Kabuki syndrome. Also called: NIIKAWA-KUROKI SYNDROME; Kabuki make-up syndrome. Identifiers: Orphanet 2322, MedGen C0796004, MONDO:0016512.

Allele frequency attached by ClinVar (database versions not stated): TOPMed 0.00002; gnomAD 0.00003.

Submissions (3):

Labcorp Genetics (formerly Invitae), Labcorp
Classification: Uncertain significance for Kabuki syndrome. Last evaluated: 2026-01-28. Review status: criteria provided, single submitter. Criteria: Invitae Variant Classification Sherloc (09022015). Collection method: clinical testing. Allele origin: germline.
Comment: This sequence change replaces proline, which is neutral and non-polar, with leucine, which is neutral and non-polar, at codon 544 of the KMT2D protein (p.Pro544Leu). This variant is not present in population databases (gnomAD no frequency). This variant has not been reported in the literature in individuals affected with KMT2D-related conditions. ClinVar contains an entry for this variant (Variation ID: 1695569). Invitae Evidence Modeling of protein sequence and biophysical properties (such as structural, functional, and spatial information, amino acid conservation, physicochemical variation, residue mobility, and thermodynamic stability) indicates that this missense variant is not expected to disrupt KMT2D protein function with a negative predictive value of 95%. In summary, the available evidence is currently insufficient to determine the role of this variant in disease. Therefore, it has been classified as a Variant of Uncertain Significance.

Women's Health and Genetics/Laboratory Corporation of America, LabCorp
Classification: Uncertain significance. Last evaluated: 2024-12-24. Review status: criteria provided, single submitter. Criteria: LabCorp Variant Classification Summary - May 2015. Collection method: clinical testing. Allele origin: germline.
Comment: Variant summary: KMT2D c.1631C>T (p.Pro544Leu) results in a non-conservative amino acid change in the encoded protein sequence. Three of four in-silico tools predict a benign effect of the variant on protein function. The variant was absent in 248640 control chromosomes. The available data on variant occurrences in the general population are insufficient to allow any conclusion about variant significance. To our knowledge, no occurrence of c.1631C>T in individuals affected with Kabuki Syndrome 1 and no experimental evidence demonstrating its impact on protein function have been reported. ClinVar contains an entry for this variant (Variation ID: 1695569). Based on the evidence outlined above, the variant was classified as uncertain significance.

GeneDx
Classification: Uncertain significance. Last evaluated: 2022-01-08. Review status: criteria provided, single submitter. Criteria: GeneDx Variant Classification Process June 2021. Collection method: clinical testing. Allele origin: germline. Affected: yes.
Comment: Not observed at significant frequency in large population cohorts (gnomAD); In silico analysis supports that this missense variant does not alter protein structure/function; Has not been previously published as pathogenic or benign to our knowledge

NM_003482.4(KMT2D):c.1631C>T (p.Pro544Leu)

Gene: KMT2D (lysine methyltransferase 2D; minus strand). Cytogenetic location: 12q13.12.
Variant type: single nucleotide variant.
Coding change: c.1631C>T on transcript NM_003482.4 (MANE Select); coding-DNA position 1631, C replaced by T.
Protein change: p.Pro544Leu; replaces proline 544 with leucine.
Molecular consequence: missense variant.
Genome position (GRCh38, 1-based): chr12:49,052,052, G>A on the plus strand (C>T on the coding strand, the complement: KMT2D is on the minus strand). VCF-style: chr12-49052052-G-A. GRCh37 (hg19) VCF-style: chr12-49445835-G-A.
Other names: short protein forms P544L.
Identifiers: ClinVar variation 1695569 (VCV001695569.6), dbSNP rs1363790866, ClinGen allele CA384674060.